The following is an entry in ClinVar:

NM_000208.4(INSR):c.1573C>T (p.Arg525Ter)

Gene: INSR (insulin receptor; minus strand). Cytogenetic location: 19p13.2.
Variant type: single nucleotide variant.
Coding change: c.1573C>T on transcript NM_000208.4 (MANE Select); coding-DNA position 1573, C replaced by T.
Protein change: p.Arg525Ter; replaces arginine 525 with a stop codon.
Molecular consequence: nonsense.
Genome position (GRCh38, 1-based): chr19:7,168,005, G>A on the plus strand (C>T on the coding strand, the complement: INSR is on the minus strand). VCF-style: chr19-7168005-G-A. GRCh37 (hg19) VCF-style: chr19-7168016-G-A.
Other names: c.1573C>T, p.Arg525Ter (NM_001079817.3); short protein forms R525*.
Identifiers: ClinVar variation 816941 (VCV000816941.5), dbSNP rs1599937180, ClinGen allele CA403666830.
Genomic context (GRCh38, chr19:7,168,005, plus strand): 5'-GTCTCTCTAACTCTTCTACTTACGCCTCTTTGTAGAACAGCATGAACCCCAAGAGGTCTC[G>A]GAAGTCGGGGGGCCAGTACGGCTCCCATCTCAGCAAGATCTTGTCAAAAGATGTCCGAAT-3'

ClinVar aggregate classification (germline): Likely pathogenic. Review status: criteria provided, multiple submitters, no conflicts (2 of 4 stars). 2 submissions from 2 submitters: Likely pathogenic (2). Last evaluated 2023-10-06.

Conditions:
Hyperinsulinism due to INSR deficiency. Also called: Hyperinsulinism due to glutamodehydrogenase deficiency. Identifiers: Orphanet 263458, MedGen C1864952, MONDO:0012381, OMIM 609968.

Allele frequency attached by ClinVar (database versions not stated): gnomAD exomes 0.00001; 1000 Genomes Project 30x 0.00016.
gnomAD v4.1: 8 of 1,614,032 alleles (0.0005%); highest among the groups gnomAD compares: Non-Finnish European, 0.00068%; no homozygotes.

Submissions (2):

GeneDx
Classification: Likely pathogenic. Last evaluated: 2023-10-06. Review status: criteria provided, single submitter. Criteria: GeneDx Variant Classification Process June 2021. Collection method: clinical testing. Allele origin: germline. Affected: yes.
Comment: Nonsense variant predicted to result in protein truncation or nonsense mediated decay in a gene for which loss-of-function is a known mechanism of disease; Not observed at significant frequency in large population cohorts (gnomAD); Has not been previously published as pathogenic or benign to our knowledge

Greenwood Genetic Center Diagnostic Laboratories, Greenwood Genetic Center
Classification: Likely pathogenic for Hyperinsulinism due to INSR deficiency. Last evaluated: 2022-08-10. Review status: criteria provided, single submitter. Criteria: ACMG Guidelines, 2015. Collection method: clinical testing. Allele origin: germline. Affected: yes.
Comment: PVS1 PM2